The following is an entry in ClinVar:

NM_173660.5(DOK7):c.1476_1485dup (p.Gly496fs)

Gene: DOK7 (docking protein 7; plus strand). Cytogenetic location: 4p16.3.
Variant type: Duplication.
Coding change: c.1476_1485dup on transcript NM_173660.5 (MANE Select); coding-DNA positions 1476 to 1485, 10 bases duplicated (TCCAGTCTGT; older notation c.1476_1485dupTCCAGTCTGT).
Protein change: p.Gly496fs; shifts the reading frame from glycine 496.
Molecular consequence: frameshift variant. On other transcripts: 3 prime UTR variant (1).
Genome position (GRCh38, 1-based): chr4:3,493,462-3,493,471, TCCAGTCTGT duplicated. VCF-style (leftmost placement, unchanged base first): chr4-3493461-G-GTCCAGTCTGT. GRCh37 (hg19) VCF-style: chr4-3495188-G-GTCCAGTCTGT.
Other names: c.*697_*706dup (NM_001164673.2); c.546_555dup, p.Gly186fs (NM_001256896.2); c.1476_1485dup, p.Gly496fs (NM_001301071.2); c.1044_1053dup, p.Gly352fs (NM_001363811.2); short protein forms G352fs, G186fs, G496fs.
Identifiers: ClinVar variation 209148 (VCV000209148.10), dbSNP rs797045040, ClinGen allele CA276139.

ClinVar aggregate classification (germline): Pathogenic/Likely pathogenic. Review status: criteria provided, multiple submitters, no conflicts (2 of 4 stars). 2 submissions from 2 submitters: Pathogenic (1); Likely pathogenic (1). Last evaluated 2022-07-26.

Conditions:
Congenital myasthenic syndrome 10. Also called: Myasthenia, limb-girdle, familial. Identifiers: Orphanet 590, MedGen C1850792, MONDO:0009690, OMIM 254300.
Fetal akinesia deformation sequence 1 (FADS1). Also called: Pena-Shokeir syndrome type I; Fetal akinesia sequence. Identifiers: Orphanet 994, MedGen C1276035, MONDO:0100101, OMIM 208150, HP:0001989.

Submissions (2):

Labcorp Genetics (formerly Invitae), Labcorp
Classification: Likely pathogenic for Congenital myasthenic syndrome 10; Fetal akinesia deformation sequence 1. Last evaluated: 2022-07-26. Review status: criteria provided, single submitter. Criteria: Invitae Variant Classification Sherloc (09022015). Collection method: clinical testing. Allele origin: germline.
Comment: This variant disrupts a region of the DOK7 protein in which other variant(s) (p.Gly496Val) have been observed in individuals with DOK7-related conditions (PMID: 22661499). This suggests that this is a clinically significant region of the protein, and that variants that disrupt it are likely to be disease-causing. In summary, the currently available evidence indicates that the variant is pathogenic, but additional data are needed to prove that conclusively. Therefore, this variant has been classified as Likely Pathogenic. This sequence change results in a frameshift in the DOK7 gene (p.Gly496Serfs*26). While this is not anticipated to result in nonsense mediated decay, it is expected to disrupt the last 9 amino acid(s) of the DOK7 protein and extend the protein by 16 additional amino acid residues. This variant is not present in population databases (gnomAD no frequency). This frameshift has been observed in individual(s) with clinical features of congenital myasthenic syndrome (PMID: 26633545; Invitae). In at least one individual the data is consistent with being in trans (on the opposite chromosome) from a pathogenic variant. ClinVar contains an entry for this variant (Variation ID: 209148).

Baylor Genetics
Classification: Pathogenic for Myasthenia, limb-girdle, familial. Last evaluated: 2014-06-13. Review status: criteria provided, single submitter. Criteria: Yang et al. 2013. Collection method: clinical testing. Allele origin: germline. Inheritance: Autosomal recessive inheritance. Affected: yes. Observed: 1 variant allele, 1 compound heterozygote. Study: Adult_WES.

Literature cited by the submitters: PubMed 22661499 (cited by Labcorp Genetics (formerly Invitae), Labcorp); PubMed 26633545 (cited by Labcorp Genetics (formerly Invitae), Labcorp and Baylor Genetics).